The following is an entry in ClinVar:

NM_000038.6(APC):c.5212C>G (p.His1738Asp)

Gene: APC (APC regulator of Wnt signaling pathway; plus strand). Cytogenetic location: 5q22.2.
Variant type: single nucleotide variant.
Coding change: c.5212C>G on transcript NM_000038.6 (MANE Select); coding-DNA position 5212, C replaced by G.
Protein change: p.His1738Asp; replaces histidine 1738 with aspartic acid.
Molecular consequence: missense variant.
Genome position (GRCh38, 1-based): chr5:112,840,806, C>G. VCF-style: chr5-112840806-C-G. GRCh37 (hg19) VCF-style: chr5-112176503-C-G.
Other names: c.5212C>G, p.His1738Asp (NM_001127510.3, NM_001354895.2); c.5158C>G, p.His1720Asp (NM_001127511.3); c.5266C>G, p.His1756Asp (NM_001354896.2); c.5242C>G, p.His1748Asp (NM_001354897.2); c.5137C>G, p.His1713Asp (NM_001354898.2); c.5128C>G, p.His1710Asp (NM_001354899.2); c.5089C>G, p.His1697Asp (NM_001354900.2); c.5035C>G, p.His1679Asp (NM_001354901.2); and 5 more; short protein forms H1738D, H1720D, H1710D, H1713D, H1455D, H1578D, H1612D, H1756D.
Identifiers: ClinVar variation 579159 (VCV000579159.14), dbSNP rs1561598415, ClinGen allele CA16032725.

ClinVar aggregate classification (germline): Uncertain significance. Review status: criteria provided, multiple submitters, no conflicts (2 of 4 stars). 2 submissions from 2 submitters: Uncertain significance (2). Last evaluated 2023-12-05.

Conditions:
Hereditary cancer-predisposing syndrome. Also called: Neoplastic Syndromes, Hereditary; Tumor predisposition; Hereditary neoplastic syndrome; Hereditary Cancer Syndrome. Identifiers: Orphanet 140162, MedGen C0027672, MeSH D009386, MONDO:0015356.
Familial adenomatous polyposis 1 (FAP1). Also called: FAMILIAL ADENOMATOUS POLYPOSIS 1, ATTENUATED; POLYPOSIS, ADENOMATOUS INTESTINAL. Identifiers: MedGen C2713442, MONDO:0021056, OMIM 175100. Disease mechanism: loss of function.

Submissions (2):

Color Diagnostics, LLC DBA Color Health
Classification: Uncertain significance for Hereditary cancer-predisposing syndrome. Last evaluated: 2023-12-05. Review status: criteria provided, single submitter. Criteria: ACMG Guidelines, 2015. Collection method: clinical testing. Allele origin: germline.
Comment: This missense variant replaces histidine with aspartic acid at codon 1738 of the APC protein. Computational prediction is inconclusive regarding the impact of this variant on protein structure and function (internally defined REVEL score threshold 0.5 < inconclusive < 0.7, PMID: 27666373). To our knowledge, functional studies have not been reported for this variant. This variant has not been reported in individuals affected with APC-related disorders in the literature. This variant has not been identified in the general population by the Genome Aggregation Database (gnomAD). The available evidence is insufficient to determine the role of this variant in disease conclusively. Therefore, this variant is classified as a Variant of Uncertain Significance.

Labcorp Genetics (formerly Invitae), Labcorp
Classification: Uncertain significance for Familial adenomatous polyposis 1. Last evaluated: 2021-04-27. Review status: criteria provided, single submitter. Criteria: Invitae Variant Classification Sherloc (09022015). Collection method: clinical testing. Allele origin: germline.
Comment: This sequence change replaces histidine with aspartic acid at codon 1738 of the APC protein (p.His1738Asp). The histidine residue is highly conserved and there is a moderate physicochemical difference between histidine and aspartic acid. This variant is not present in population databases (ExAC no frequency). In summary, the available evidence is currently insufficient to determine the role of this variant in disease. Therefore, it has been classified as a Variant of Uncertain Significance. Algorithms developed to predict the effect of missense changes on protein structure and function do not agree on the potential impact of this missense change (SIFT: "Deleterious"; PolyPhen-2: "Probably Damaging"; Align-GVGD: "Class C0"). This variant has not been reported in the literature in individuals with APC-related disease.